The following is an entry in ClinVar:

NM_033641.4(COL4A6):c.1172C>T (p.Ala391Val)

Gene: COL4A6 (collagen type IV alpha 6 chain; minus strand). Cytogenetic location: Xq22.3.
Variant type: single nucleotide variant.
Coding change: c.1172C>T on transcript NM_033641.4 (MANE Select); coding-DNA position 1172, C replaced by T.
Protein change: p.Ala391Val; replaces alanine 391 with valine.
Molecular consequence: missense variant.
Genome position (GRCh38, 1-based): chrX:108,192,481, G>A on the plus strand (C>T on the coding strand, the complement: COL4A6 is on the minus strand). VCF-style: chrX-108192481-G-A. GRCh37 (hg19) VCF-style: chrX-107435711-G-A.
Other names: c.1172C>T, p.Ala391Val (NM_001287758.2, NM_001287759.2, NM_001287760.2); c.1175C>T, p.Ala392Val (NM_001847.4); short protein forms A392V, A391V.
Identifiers: ClinVar variation 2732643 (VCV002732643.3), dbSNP rs1393862332, ClinGen allele CA413861526.

ClinVar aggregate classification (germline): Uncertain significance (1 of 4 stars; one submission).

Allele frequency attached by ClinVar (database versions not stated): TOPMed below 0.00001; gnomAD 0.00001; gnomAD exomes 0.00003.
gnomAD v4.1: 34 of 1,202,438 alleles (0.0028%); highest among the groups gnomAD compares: Non-Finnish European, 0.0037%; no homozygotes.

Submission:

Labcorp Genetics (formerly Invitae), Labcorp
Classification: Uncertain significance. Last evaluated: 2023-06-17. Review status: criteria provided, single submitter. Criteria: Invitae Variant Classification Sherloc (09022015). Collection method: clinical testing. Allele origin: germline.
Comment: In summary, the available evidence is currently insufficient to determine the role of this variant in disease. Therefore, it has been classified as a Variant of Uncertain Significance. Advanced modeling of protein sequence and biophysical properties (such as structural, functional, and spatial information, amino acid conservation, physicochemical variation, residue mobility, and thermodynamic stability) performed at Invitae indicates that this missense variant is not expected to disrupt COL4A6 protein function. This variant has not been reported in the literature in individuals affected with COL4A6-related conditions. This variant is not present in population databases (gnomAD no frequency). This sequence change replaces alanine, which is neutral and non-polar, with valine, which is neutral and non-polar, at codon 392 of the COL4A6 protein (p.Ala392Val).